The following is an entry in ClinVar:

NM_005609.4(PYGM):c.345+11G>A

Gene: PYGM (glycogen phosphorylase, muscle associated; minus strand). Cytogenetic location: 11q13.1.
Variant type: single nucleotide variant.
Coding change: c.345+11G>A on transcript NM_005609.4 (MANE Select); 11 bases into the intron after coding-DNA position 345, G replaced by A.
Molecular consequence: intron variant.
Genome position (GRCh38, 1-based): chr11:64,758,592, C>T on the plus strand (G>A on the coding strand, the complement: PYGM is on the minus strand). VCF-style: chr11-64758592-C-T. GRCh37 (hg19) VCF-style: chr11-64526064-C-T.
Other names: c.244-326G>A (NM_001164716.1).
Identifiers: ClinVar variation 507233 (VCV000507233.4), dbSNP rs760751053, ClinGen allele CA6080304.
Genomic context (GRCh38, chr11:64,758,592, plus strand): 5'-GACAGTGGTCAGGGTCAAGTGTCAGCAGTGGAATCCCCCAGTCCCCACGGCTTGCCCCAC[C>T]CCACACACACCTGGTAGGTGGCCTCGTCACAGGCATTCTCTAAGGCCAGGTTCACCATGG-3'

ClinVar aggregate classification (germline): Likely benign. Review status: criteria provided, multiple submitters, no conflicts (2 of 4 stars). 2 submissions from 2 submitters: Likely benign (2). Last evaluated 2022-12-15.

Conditions:
Glycogen storage disease, type V (GSD5). Also called: McArdle type glycogen storage disease; MCARDLE DISEASE; MUSCLE GLYCOGEN PHOSPHORYLASE DEFICIENCY; MYOPHOSPHORYLASE DEFICIENCY; PYGM DEFICIENCY. Identifiers: Orphanet 368, MedGen C0017924, MONDO:0009293, OMIM 232600.

Allele frequency attached by ClinVar (database versions not stated): gnomAD exomes below 0.00001; TOPMed below 0.00001; ExAC 0.00001.
gnomAD v4.1: 1 of 1,613,284 alleles (0.000062%); highest among the groups gnomAD compares: Non-Finnish European, 0.000085%; no homozygotes.

Submissions (2):

Labcorp Genetics (formerly Invitae), Labcorp
Classification: Likely benign for Glycogen storage disease, type V. Last evaluated: 2022-12-15. Review status: criteria provided, single submitter. Criteria: Invitae Variant Classification Sherloc (09022015). Collection method: clinical testing. Allele origin: germline.

GeneDx
Classification: Likely benign. Last evaluated: 2017-02-10. Review status: criteria provided, single submitter. Criteria: GeneDx Variant Classification (06012015). Collection method: clinical testing. Allele origin: germline. Affected: yes.
Comment: This variant is considered likely benign or benign based on one or more of the following criteria: it is a conservative change, it occurs at a poorly conserved position in the protein, it is predicted to be benign by multiple in silico algorithms, and/or has population frequency not consistent with disease.